The following is an entry in ClinVar:

ClinVar aggregate classification (germline): Likely benign (0 of 4 stars; one submission).

Conditions:
NPC1-related disorder. Also called: NPC1-related condition.

Allele frequency attached by ClinVar (database versions not stated): TOPMed below 0.00001; ExAC 0.00001.

Submission:

PreventionGenetics, part of Exact Sciences
Classification: Likely benign for NPC1-related condition. Last evaluated: 2021-05-19. Review status: no assertion criteria provided. Collection method: clinical testing. Allele origin: germline.
Comment: This variant is classified as likely benign based on ACMG/AMP sequence variant interpretation guidelines (Richards et al. 2015 PMID: 25741868, with internal and published modifications).

NM_000271.5(NPC1):c.3592-10C>G

Gene: NPC1 (NPC intracellular cholesterol transporter 1; minus strand). Cytogenetic location: 18q11.2.
Variant type: single nucleotide variant.
Coding change: c.3592-10C>G on transcript NM_000271.5 (MANE Select); 10 bases into the intron before coding-DNA position 3592, C replaced by G.
Molecular consequence: intron variant.
Genome position (GRCh38, 1-based): chr18:23,533,527, G>C on the plus strand (C>G on the coding strand, the complement: NPC1 is on the minus strand). VCF-style: chr18-23533527-G-C. GRCh37 (hg19) VCF-style: chr18-21113491-G-C.
Identifiers: ClinVar variation 3057973 (VCV003057973.2), dbSNP rs757810416, ClinGen allele CA8912695.